The following is an entry in ClinVar:

NC_000013.11:g.(?_32330899)_(32380165_?)del

Gene: BRCA2 (BRCA2 DNA repair associated; plus strand). Cytogenetic location: 13q13.1.
Variant type: Deletion.
Identifiers: ClinVar variation 664452 (VCV000664452.7).

ClinVar aggregate classification (germline): Pathogenic (1 of 4 stars; one submission).

Conditions:
Hereditary breast ovarian cancer syndrome. Also called: BRCA1- and BRCA2-Associated Hereditary Breast and Ovarian Cancer; Breast and ovarian cancer; Hereditary breast and ovarian cancer syndrome (HBOC); Hereditary breast and ovarian cancer; Hereditary breast and ovarian cancer syndrome; Hereditary breast and/or ovarian cancer syndrome. Identifiers: Orphanet 145, MedGen C0677776, MeSH D061325, MONDO:0003582. Disease mechanism: loss of function.

Submission:

Labcorp Genetics (formerly Invitae), Labcorp
Classification: Pathogenic for Hereditary breast ovarian cancer syndrome. Last evaluated: 2018-07-19. Review status: criteria provided, single submitter. Criteria: Invitae Variant Classification Sherloc (09022015). Collection method: clinical testing. Allele origin: germline.
Comment: For these reasons, this variant has been classified as Pathogenic. Loss-of-function variants in BRCA2 are known to be pathogenic (PMID: 20104584). This variant has not been reported in the literature in individuals with BRCA2-related disease. This variant is an out-of-frame deletion of the genomic region encompassing exons 9-24 of the BRCA2 gene. This is expected to create a premature translational stop signal and result in an absent or disrupted protein product.

Literature cited by the submitters: PubMed 20104584.